The following is an entry in ClinVar:

ClinVar aggregate classification (germline): Uncertain significance. Review status: criteria provided, multiple submitters, no conflicts (2 of 4 stars). 2 submissions from 2 submitters: Uncertain significance (2). Last evaluated 2024-10-21.

Conditions:
Malignant tumor of urinary bladder. Also called: Urinary Bladder Neoplasms; Bladder cancer; Urinary bladder cancer. Identifiers: MedGen C0005684, MONDO:0001187, OMIM 109800.
Hereditary cancer-predisposing syndrome. Also called: Neoplastic Syndromes, Hereditary; Hereditary neoplastic syndrome; Tumor predisposition; Hereditary Cancer Syndrome. Identifiers: Orphanet 140162, MedGen C0027672, MeSH D009386, MONDO:0015356.

Submissions (2):

Ambry Genetics
Classification: Uncertain significance for Hereditary cancer-predisposing syndrome. Last evaluated: 2024-10-21. Review status: criteria provided, single submitter. Criteria: Ambry Variant Classification Scheme 2023. Collection method: clinical testing. Allele origin: germline.
Comment: The p.P55R variant (also known as c.164C>G), located in coding exon 2 of the RB1 gene, results from a C to G substitution at nucleotide position 164. The proline at codon 55 is replaced by arginine, an amino acid with dissimilar properties. This amino acid position is conserved. In addition, the in silico prediction for this alteration is inconclusive. Based on the available evidence, the clinical significance of this variant remains unclear.

Baylor Genetics
Classification: Uncertain significance for Malignant tumor of urinary bladder. Last evaluated: 2023-05-25. Review status: criteria provided, single submitter. Criteria: ACMG Guidelines, 2015. Collection method: clinical testing. Allele origin: unknown.

NM_000321.3(RB1):c.164C>G (p.Pro55Arg)

Gene: RB1 (RB transcriptional corepressor 1; plus strand). Cytogenetic location: 13q14.2.
Variant type: single nucleotide variant.
Coding change: c.164C>G on transcript NM_000321.3 (MANE Select); coding-DNA position 164, C replaced by G.
Protein change: p.Pro55Arg; replaces proline 55 with arginine.
Molecular consequence: missense variant.
Genome position (GRCh38, 1-based): chr13:48,307,306, C>G. VCF-style: chr13-48307306-C-G. GRCh37 (hg19) VCF-style: chr13-48881442-C-G.
Other names: c.164C>G, p.Pro55Arg (NM_001407165.1, NM_001407166.1, NM_001407167.1); short protein forms P55R.
Identifiers: ClinVar variation 2678289 (VCV002678289.2), dbSNP rs2138033964, ClinGen allele CA388250480.